The following is an entry in ClinVar:

ClinVar aggregate classification (germline): Likely pathogenic (1 of 4 stars; one submission).

Conditions:
Mismatch repair cancer syndrome 3. Identifiers: MedGen C5436807, MONDO:0030841, OMIM 619097.
Lynch syndrome 5 (LYNCH5). Also called: Colorectal cancer, hereditary nonpolyposis, type 5; Hereditary non-polyposis colorectal cancer, type 5. Identifiers: Orphanet 144, MedGen C1833477, MONDO:0013710, OMIM 614350. Disease mechanism: loss of function.

Submission:

University of Washington Department of Laboratory Medicine, University of Washington
Classification: Likely pathogenic for Mismatch repair cancer syndrome 3; Lynch syndrome 5. Last evaluated: 2021-07-29. Review status: criteria provided, single submitter. Criteria: ACMG Guidelines, 2015. Collection method: clinical testing. Allele origin: paternal. Affected: yes.
Comment: The p.Asp1026Glyfs*5 variant in the MSH6 gene has not been previously reported in association with disease and was absent from large population databases, including the Genome Aggregation Database. This variant results in a 2bp deletion in exon 4 of 10 exons, which causes a shift in the protein reading frame, leading to a premature termination codon 5 amino acids downstream. Nonsense-mediated decay resulting in a truncated or absent protein is predicted with this variant. These predictions have not been tested directly. Heterozygous loss of function leading to haploinsufficiency of the MSH6 gene is an established mechanism of disease. Using ACMG guidelines, this variant was classified as likely pathogenic for autosomal dominant Lynch syndrome and autosomal recessive constitutional mismatch repair deficiency (ACMG evidence codes used: PVS1, PM2_supporting).

NM_000179.3(MSH6):c.3075_3076dup (p.Asp1026fs)

Gene: MSH6 (mutS homolog 6; plus strand). Cytogenetic location: 2p16.3.
Variant type: Duplication.
Coding change: c.3075_3076dup on transcript NM_000179.3 (MANE Select); coding-DNA positions 3075 to 3076, 2 bases duplicated (GG; older notation c.3075_3076dupGG).
Protein change: p.Asp1026fs; shifts the reading frame from aspartic acid 1026.
Molecular consequence: frameshift variant. On other transcripts: non-coding transcript variant (5), intron variant (2).
Genome position (GRCh38, 1-based): chr2:47,801,058-47,801,059, GG duplicated; duplicating any 2 consecutive bases within chr2:47,801,057-47,801,059 gives the same sequence; the c. name uses the placement nearest the transcript's 3' end. VCF-style (leftmost placement, unchanged base first): chr2-47801056-A-AGG. GRCh37 (hg19) VCF-style: chr2-48028195-A-AGG.
Other names: c.2685_2686dup, p.Asp896fs (NM_001281492.2); c.2169_2170dup, p.Asp724fs (NM_001281493.2, NM_001281494.2, NM_001406811.1 and 6 more transcripts); c.3171_3172dup, p.Asp1058fs (NM_001406795.1, NM_001406802.1); c.3075_3076dup, p.Asp1026fs (NM_001406796.1, NM_001406798.1, NM_001406800.1 and 2 more transcripts); c.2778_2779dup, p.Asp927fs (NM_001406797.1, NM_001406801.1, NM_001406805.1 and 10 more transcripts); c.2550_2551dup, p.Asp851fs (NM_001406799.1, NM_001406806.1, NM_001406807.1); c.2997_2998dup, p.Asp1000fs (NM_001406804.1); c.3081_3082dup, p.Asp1028fs (NM_001406813.1); and 4 more; short protein forms D1000fs, D1026fs, D1028fs, D1058fs, D341fs, D724fs, D851fs, D896fs.
Identifiers: ClinVar variation 3777209 (VCV003777209.1).